The following is an entry in ClinVar:

ClinVar aggregate classification (germline): Uncertain significance. Review status: criteria provided, multiple submitters, no conflicts (2 of 4 stars). 5 submissions from 5 submitters: Uncertain significance (5). Last evaluated 2025-01-29.

Conditions:
Collagen 6-related myopathy. Identifiers: MedGen CN117976, MONDO:0100225.
Bethlem myopathy 1A. Also called: Bethlem Muscular Dystrophy; Bethlem myopathy 1; MYOPATHY, BENIGN CONGENITAL, WITH CONTRACTURES. Identifiers: Orphanet 610, MedGen CN029274, MONDO:0024530, OMIM 158810.
Inborn genetic diseases. Identifiers: MedGen C0950123, MeSH D030342.

Allele frequency attached by ClinVar (database versions not stated): gnomAD exomes below 0.00001; TOPMed below 0.00001; ExAC 0.00001.
gnomAD v4.1: 5 of 1,614,128 alleles (0.00031%); highest among the groups gnomAD compares: East Asian, 0.0022%; no homozygotes.

Submissions (5):

Labcorp Genetics (formerly Invitae), Labcorp
Classification: Uncertain significance for Bethlem myopathy 1A. Last evaluated: 2025-01-29. Review status: criteria provided, single submitter. Criteria: Invitae Variant Classification Sherloc (09022015). Collection method: clinical testing. Allele origin: germline.
Comment: This sequence change replaces aspartic acid, which is acidic and polar, with asparagine, which is neutral and polar, at codon 1278 of the COL6A3 protein (p.Asp1278Asn). This variant is present in population databases (rs752309834, gnomAD 0.0009%). This variant has not been reported in the literature in individuals affected with COL6A3-related conditions. ClinVar contains an entry for this variant (Variation ID: 598462). Invitae Evidence Modeling of protein sequence and biophysical properties (such as structural, functional, and spatial information, amino acid conservation, physicochemical variation, residue mobility, and thermodynamic stability) indicates that this missense variant is not expected to disrupt COL6A3 protein function with a negative predictive value of 80%. In summary, the available evidence is currently insufficient to determine the role of this variant in disease. Therefore, it has been classified as a Variant of Uncertain Significance.

Ambry Genetics
Classification: Uncertain significance for Inborn genetic diseases. Last evaluated: 2024-07-25. Review status: criteria provided, single submitter. Criteria: Ambry Variant Classification Scheme 2023. Collection method: clinical testing. Allele origin: germline.

Revvity Omics, Revvity
Classification: Uncertain significance. Last evaluated: 2024-03-18. Review status: criteria provided, single submitter. Criteria: ACMG Guidelines, 2015. Collection method: clinical testing. Allele origin: germline.

Eurofins Ntd Llc (ga)
Classification: Uncertain significance. Last evaluated: 2018-08-20. Review status: criteria provided, single submitter. Criteria: EGL ClinVar v180209 classification definitions. Collection method: clinical testing. Allele origin: germline. Observed: 1 variant allele, 1 heterozygote.

Illumina Laboratory Services, Illumina
Classification: Uncertain significance for Collagen VI-related myopathy. Last evaluated: 2018-01-13. Review status: criteria provided, single submitter. Criteria: ICSL Variant Classification Criteria 13 December 2019. Collection method: clinical testing. Allele origin: germline.

NM_004369.4(COL6A3):c.3832G>A (p.Asp1278Asn)

Gene: COL6A3 (collagen type VI alpha 3 chain; minus strand). Cytogenetic location: 2q37.3.
Variant type: single nucleotide variant.
Coding change: c.3832G>A on transcript NM_004369.4 (MANE Select); coding-DNA position 3832, G replaced by A.
Protein change: p.Asp1278Asn; replaces aspartic acid 1278 with asparagine.
Molecular consequence: missense variant.
Genome position (GRCh38, 1-based): chr2:237,372,185, C>T on the plus strand (G>A on the coding strand, the complement: COL6A3 is on the minus strand). VCF-style: chr2-237372185-C-T. GRCh37 (hg19) VCF-style: chr2-238280828-C-T.
Other names: c.2611G>A, p.Asp871Asn (NM_057164.5); c.3214G>A, p.Asp1072Asn (NM_057165.5, NM_057167.4); c.2011G>A, p.Asp671Asn (NM_057166.5); short protein forms D1278N, D671N, D1072N, D871N.
Identifiers: ClinVar variation 598462 (VCV000598462.17), dbSNP rs752309834, ClinGen allele CA2189065.